The following is an entry in ClinVar:

ClinVar aggregate classification (germline): Uncertain significance. Review status: criteria provided, multiple submitters, no conflicts (2 of 4 stars). 2 submissions from 2 submitters: Uncertain significance (2). Last evaluated 2025-12-01.

Conditions:
Inborn genetic diseases. Identifiers: MedGen C0950123, MeSH D030342.

Allele frequency attached by ClinVar (database versions not stated): gnomAD exomes 0.00004 and 0.00003; ExAC 0.00007; ESP Exome Variant Server 0.00017; gnomAD 0.00020 and 0.00023; TOPMed 0.00021; 1000 Genomes Project 0.00040; 1000 Genomes Project 30x 0.00047.
gnomAD v4.1: 69 of 1,614,136 alleles (0.0043%); highest among the groups gnomAD compares: African/African-American, 0.077%; no homozygotes.

Submissions (2):

Labcorp Genetics (formerly Invitae), Labcorp
Classification: Uncertain significance. Last evaluated: 2025-12-01. Review status: criteria provided, single submitter. Criteria: Invitae Variant Classification Sherloc (09022015). Collection method: clinical testing. Allele origin: germline.
Comment: This sequence change replaces serine, which is neutral and polar, with arginine, which is basic and polar, at codon 851 of the AGBL5 protein (p.Ser851Arg). This variant is present in population databases (rs200990404, gnomAD 0.06%). This variant has not been reported in the literature in individuals affected with AGBL5-related conditions. ClinVar contains an entry for this variant (Variation ID: 1375257). An algorithm developed to predict the effect of missense changes on protein structure and function (PolyPhen-2) suggests that this variant is likely to be tolerated. In summary, the available evidence is currently insufficient to determine the role of this variant in disease. Therefore, it has been classified as a Variant of Uncertain Significance.

Ambry Genetics
Classification: Uncertain significance for Inborn genetic diseases. Last evaluated: 2025-08-29. Review status: criteria provided, single submitter. Criteria: Ambry Variant Classification Scheme 2023. Collection method: clinical testing. Allele origin: germline.

NM_021831.6(AGBL5):c.2553T>G (p.Ser851Arg)

Gene: AGBL5 (AGBL carboxypeptidase 5; plus strand). Cytogenetic location: 2p23.3.
Variant type: single nucleotide variant.
Coding change: c.2553T>G on transcript NM_021831.6 (MANE Select); coding-DNA position 2553, T replaced by G.
Protein change: p.Ser851Arg; replaces serine 851 with arginine.
Molecular consequence: missense variant. On other transcripts: non-coding transcript variant (2).
Genome position (GRCh38, 1-based): chr2:27,070,155, T>G. VCF-style: chr2-27070155-T-G. GRCh37 (hg19) VCF-style: chr2-27293023-T-G.
Other names: c.2553T>G (NM_021831.5); short protein forms S851R.
Identifiers: ClinVar variation 1375257 (VCV001375257.10), dbSNP rs200990404, ClinGen allele CA1568298.